The following is an entry in ClinVar:

NM_005359.6(SMAD4):c.804G>C (p.Trp268Cys)

Gene: SMAD4 (SMAD family member 4; plus strand). Cytogenetic location: 18q21.2.
Variant type: single nucleotide variant.
Coding change: c.804G>C on transcript NM_005359.6 (MANE Select); coding-DNA position 804, G replaced by C.
Protein change: p.Trp268Cys; replaces tryptophan 268 with cysteine.
Molecular consequence: missense variant.
Genome position (GRCh38, 1-based): chr18:51,058,356, G>C. VCF-style: chr18-51058356-G-C. GRCh37 (hg19) VCF-style: chr18-48584726-G-C.
Other names: short protein forms W268C.
Identifiers: ClinVar variation 998610 (VCV000998610.8), dbSNP rs1909899600, ClinGen allele CA402463317.

ClinVar aggregate classification (germline): Uncertain significance (1 of 4 stars; one submission).

Conditions:
Juvenile polyposis syndrome (JPS). Identifiers: Orphanet 2929, MedGen C0345893, MONDO:0017380, OMIM 174900.

Allele frequency attached by ClinVar (database versions not stated): gnomAD exomes below 0.00001.
gnomAD v4.1: 1 of 1,614,036 alleles (0.000062%); highest among the groups gnomAD compares: Non-Finnish European, 0.000085%; no homozygotes.

Submission:

Labcorp Genetics (formerly Invitae), Labcorp
Classification: Uncertain significance for Juvenile polyposis syndrome. Last evaluated: 2025-08-30. Review status: criteria provided, single submitter. Criteria: Invitae Variant Classification Sherloc (09022015). Collection method: clinical testing. Allele origin: germline.
Comment: This sequence change replaces tryptophan, which is neutral and slightly polar, with cysteine, which is neutral and slightly polar, at codon 268 of the SMAD4 protein (p.Trp268Cys). This variant is not present in population databases (gnomAD no frequency). This variant has not been reported in the literature in individuals affected with SMAD4-related conditions. ClinVar contains an entry for this variant (Variation ID: 998610). Invitae Evidence Modeling of protein sequence and biophysical properties (such as structural, functional, and spatial information, amino acid conservation, physicochemical variation, residue mobility, and thermodynamic stability) has been performed for this missense variant. However, the output from this modeling did not meet the statistical confidence thresholds required to predict the impact of this variant on SMAD4 protein function. In summary, the available evidence is currently insufficient to determine the role of this variant in disease. Therefore, it has been classified as a Variant of Uncertain Significance.